The following is an entry in ClinVar:

NM_001085411.3(NADK2):c.1235A>G (p.Asp412Gly)

Gene: NADK2 (NAD kinase 2, mitochondrial; minus strand). Cytogenetic location: 5p13.2.
Variant type: single nucleotide variant.
Coding change: c.1235A>G on transcript NM_001085411.3 (MANE Select); coding-DNA position 1235, A replaced by G.
Protein change: p.Asp412Gly; replaces aspartic acid 412 with glycine.
Molecular consequence: missense variant.
Genome position (GRCh38, 1-based): chr5:36,195,238, T>C on the plus strand (A>G on the coding strand, the complement: NADK2 is on the minus strand). VCF-style: chr5-36195238-T-C. GRCh37 (hg19) VCF-style: chr5-36195340-T-C.
Other names: c.746A>G, p.Asp249Gly (NM_001287340.2, NM_153013.5); c.812A>G, p.Asp271Gly (NM_001287341.2); short protein forms D412G, D249G, D271G.
Identifiers: ClinVar variation 2832870 (VCV002832870.3), dbSNP rs772310092, ClinGen allele CA3234470.

ClinVar aggregate classification (germline): Uncertain significance (1 of 4 stars; one submission).

Conditions:
Progressive encephalopathy with leukodystrophy due to DECR deficiency. Identifiers: Orphanet 431361, MedGen C1857252, MONDO:0014464, OMIM 616034.

Allele frequency attached by ClinVar (database versions not stated): gnomAD exomes below 0.00001; ExAC 0.00001.
gnomAD v4.1: 1 of 1,613,168 alleles (0.000062%); highest among the groups gnomAD compares: South Asian, 0.0011%; no homozygotes.

Submission:

Labcorp Genetics (formerly Invitae), Labcorp
Classification: Uncertain significance for Progressive encephalopathy with leukodystrophy due to DECR deficiency. Last evaluated: 2023-01-30. Review status: criteria provided, single submitter. Criteria: Invitae Variant Classification Sherloc (09022015). Collection method: clinical testing. Allele origin: germline.
Comment: In summary, the available evidence is currently insufficient to determine the role of this variant in disease. Therefore, it has been classified as a Variant of Uncertain Significance. Advanced modeling of protein sequence and biophysical properties (such as structural, functional, and spatial information, amino acid conservation, physicochemical variation, residue mobility, and thermodynamic stability) performed at Invitae indicates that this missense variant is expected to disrupt NADK2 protein function. This variant has not been reported in the literature in individuals affected with NADK2-related conditions. This variant is present in population databases (rs772310092, gnomAD 0.003%). This sequence change replaces aspartic acid, which is acidic and polar, with glycine, which is neutral and non-polar, at codon 412 of the NADK2 protein (p.Asp412Gly).